The following is an entry in ClinVar:

ClinVar aggregate classification (germline): Likely pathogenic (1 of 4 stars; one submission).

Allele frequency attached by ClinVar (database versions not stated): ExAC 0.00001; gnomAD exomes 0.00001.
gnomAD v4.1: 6 of 1,558,812 alleles (0.00038%); highest among the groups gnomAD compares: South Asian, 0.0012%; no homozygotes.

Submission:

Labcorp Genetics (formerly Invitae), Labcorp
Classification: Likely pathogenic. Last evaluated: 2023-11-27. Review status: criteria provided, single submitter. Criteria: Invitae Variant Classification Sherloc (09022015). Collection method: clinical testing. Allele origin: germline.
Comment: This sequence change affects a donor splice site in intron 4 of the RXYLT1 gene. It is expected to disrupt RNA splicing. Variants that disrupt the donor or acceptor splice site typically lead to a loss of protein function (PMID: 16199547), and loss-of-function variants in RXYLT1 are known to be pathogenic (PMID: 23217329, 23519211, 31742715). This variant is present in population databases (rs778174763, gnomAD 0.002%). This variant has not been reported in the literature in individuals affected with RXYLT1-related conditions. ClinVar contains an entry for this variant (Variation ID: 578816). Algorithms developed to predict the effect of sequence changes on RNA splicing suggest that this variant may disrupt the consensus splice site. In summary, the currently available evidence indicates that the variant is pathogenic, but additional data are needed to prove that conclusively. Therefore, this variant has been classified as Likely Pathogenic.

Literature cited by the submitters: PubMed 16199547; PubMed 23217329; PubMed 23519211; PubMed 31742715.

NM_014254.3(RXYLT1):c.743+1G>A

Gene: RXYLT1 (ribitol xylosyltransferase 1; plus strand). Cytogenetic location: 12q14.2.
Variant type: single nucleotide variant.
Coding change: c.743+1G>A on transcript NM_014254.3 (MANE Select); the canonical splice donor site of the intron after coding-DNA position 743, G replaced by A.
Molecular consequence: splice donor variant.
Genome position (GRCh38, 1-based): chr12:63,802,406, G>A. VCF-style: chr12-63802406-G-A. GRCh37 (hg19) VCF-style: chr12-64196186-G-A.
Other names: c.-38+1G>A (NM_001278237.2).
Identifiers: ClinVar variation 578816 (VCV000578816.8), dbSNP rs778174763, ClinGen allele CA6666156.